The following is an entry in ClinVar:

NM_198123.2(CSMD3):c.5684C>T (p.Ala1895Val)

Gene: CSMD3 (CUB and Sushi multiple domains 3; minus strand). Cytogenetic location: 8q23.3.
Variant type: single nucleotide variant.
Coding change: c.5684C>T on transcript NM_198123.2 (MANE Select); coding-DNA position 5684, C replaced by T.
Protein change: p.Ala1895Val; replaces alanine 1895 with valine.
Molecular consequence: missense variant.
Genome position (GRCh38, 1-based): chr8:112,406,649, G>A on the plus strand (C>T on the coding strand, the complement: CSMD3 is on the minus strand). VCF-style: chr8-112406649-G-A. GRCh37 (hg19) VCF-style: chr8-113418878-G-A.
Other names: c.5084C>T, p.Ala1695Val (NM_001363185.1); c.5372C>T, p.Ala1791Val (NM_052900.3); c.5564C>T, p.Ala1855Val (NM_198124.2); short protein forms A1695V, A1791V, A1855V, A1895V.
Identifiers: ClinVar variation 3032395 (VCV003032395.2), dbSNP rs762168054, ClinGen allele CA372049763.

ClinVar aggregate classification (germline): Uncertain significance (0 of 4 stars; one submission).

Conditions:
CSMD3-related disorder. Also called: CSMD3-related condition.

Allele frequency attached by ClinVar (database versions not stated): gnomAD exomes below 0.00001; TOPMed below 0.00001.
gnomAD v4.1: 1 of 1,612,526 alleles (0.000062%); highest among the groups gnomAD compares: Non-Finnish European, 0.000085%; no homozygotes.

Submission:

PreventionGenetics, part of Exact Sciences
Classification: Uncertain significance for CSMD3-related condition. Last evaluated: 2024-01-04. Review status: no assertion criteria provided. Collection method: clinical testing. Allele origin: germline.
Comment: The CSMD3 c.5684C>T variant is predicted to result in the amino acid substitution p.Ala1895Val. To our knowledge, this variant has not been reported in the literature or in a large population database, indicating this variant is rare. At this time, the clinical significance of this variant is uncertain due to the absence of conclusive functional and genetic evidence.